The following is an entry in ClinVar:

ClinVar aggregate classification (germline): Uncertain significance (1 of 4 stars; one submission).

Conditions:
Left ventricular noncompaction 8 (LVNC8). Identifiers: Orphanet 154, Orphanet 54260, MedGen C3809288, MONDO:0014152, OMIM 615373.

Submission:

Labcorp Genetics (formerly Invitae), Labcorp
Classification: Uncertain significance for Left ventricular noncompaction 8. Last evaluated: 2024-08-31. Review status: criteria provided, single submitter. Criteria: Invitae Variant Classification Sherloc (09022015). Collection method: clinical testing. Allele origin: germline.
Comment: This sequence change replaces isoleucine, which is neutral and non-polar, with asparagine, which is neutral and polar, at codon 456 of the PRDM16 protein (p.Ile456Asn). This variant is not present in population databases (gnomAD no frequency). This variant has not been reported in the literature in individuals affected with PRDM16-related conditions. An algorithm developed to predict the effect of missense changes on protein structure and function (PolyPhen-2) suggests that this variant is likely to be tolerated. In summary, the available evidence is currently insufficient to determine the role of this variant in disease. Therefore, it has been classified as a Variant of Uncertain Significance.

NM_022114.4(PRDM16):c.1367T>A (p.Ile456Asn)

Gene: PRDM16 (PR/SET domain 16; plus strand). Cytogenetic location: 1p36.32.
Variant type: single nucleotide variant.
Coding change: c.1367T>A on transcript NM_022114.4 (MANE Select); coding-DNA position 1367, T replaced by A.
Protein change: p.Ile456Asn; replaces isoleucine 456 with asparagine.
Molecular consequence: missense variant.
Genome position (GRCh38, 1-based): chr1:3,411,564, T>A. VCF-style: chr1-3411564-T-A. GRCh37 (hg19) VCF-style: chr1-3328128-T-A.
Other names: c.1367T>A, p.Ile456Asn (NM_199454.3); short protein forms I456N.
Identifiers: ClinVar variation 3663024 (VCV003663024.2).
Genomic context (GRCh38, chr1:3,411,564, plus strand): 5'-CCTCCCTCAACAAGCACCGGCGCTTCTGCGAGGGCAAGAACCATTACACGCCGGGCGGCA[T>A]CTTTGCCCCGGGCCTGCCCTTGACCCCCAGCCCCATGATGGACAAGGCAAAACCCTCCCC-3'
Protein context (NP_071397.3, residues 446-466): EGKNHYTPGG[Ile456Asn]FAPGLPLTPS